The following is an entry in ClinVar:

ClinVar aggregate classification (germline): Likely pathogenic (1 of 4 stars; one submission).

Submission:

Labcorp Genetics (formerly Invitae), Labcorp
Classification: Likely pathogenic. Last evaluated: 2025-04-26. Review status: criteria provided, single submitter. Criteria: Invitae Variant Classification Sherloc (09022015). Collection method: clinical testing. Allele origin: germline.
Comment: This variant, c.1048_1116del, results in the deletion of 23 amino acid(s) of the COMP protein (p.Asn350_Asp372del), but otherwise preserves the integrity of the reading frame. This variant is not present in population databases (gnomAD no frequency). This variant has been observed in individual(s) with clinical features of multiple epiphyseal dysplasia and/or pseudoachondroplasia (PMID: 21922596, 24229584; internal data). In at least one individual the variant was observed to be de novo. Experimental studies and prediction algorithms are not available or were not evaluated, and the functional significance of this variant is currently unknown. In summary, the currently available evidence indicates that the variant is pathogenic, but additional data are needed to prove that conclusively. Therefore, this variant has been classified as Likely Pathogenic.

Literature cited by the submitters: PubMed 21922596; PubMed 24229584.

NM_000095.3(COMP):c.1048_1116del (p.Asn350_Asp372del)

Gene: COMP (cartilage oligomeric matrix protein; minus strand). Cytogenetic location: 19p13.11.
Variant type: Deletion.
Coding change: c.1048_1116del on transcript NM_000095.3 (MANE Select); coding-DNA positions 1048 to 1116, 69 bases deleted.
Protein change: p.Asn350_Asp372del.
Molecular consequence: inframe deletion.
Genome position (GRCh38, 1-based): chr19:18,787,510-18,787,578, 69 bases deleted. GRCh37 (hg19): chr19:18,898,336-18,898,404.
Identifiers: ClinVar variation 4717993 (VCV004717993.1).